The following is an entry in ClinVar:

ClinVar aggregate classification (germline): Uncertain significance. Review status: criteria provided, multiple submitters, no conflicts (2 of 4 stars). 2 submissions from 2 submitters: Uncertain significance (2). Last evaluated 2024-03-28.

Conditions:
Inborn genetic diseases. Identifiers: MedGen C0950123, MeSH D030342.
Developmental and epileptic encephalopathy, 9 (DEE9). Also called: PCDH19-Related X-Linked Female-Limited Epilepsy with Mental Retardation; Early infantile epileptic encephalopathy 9; EPILEPSY, FEMALE-RESTRICTED, WITH MENTAL RETARDATION; JUBERG-HELLMAN SYNDROME. Identifiers: Orphanet 101039, Orphanet 2076, MedGen C1848137, MONDO:0010246, OMIM 300088. Disease mechanism: loss of function.

Allele frequency attached by ClinVar (database versions not stated): gnomAD exomes below 0.00001 and 0.00001; TOPMed 0.00002.
gnomAD v4.1: 5 of 1,188,943 alleles (0.00042%); highest among the groups gnomAD compares: Non-Finnish European, 0.00057%; no homozygotes.

Submissions (2):

Ambry Genetics
Classification: Uncertain significance for Inborn genetic diseases. Last evaluated: 2024-03-28. Review status: criteria provided, single submitter. Criteria: Ambry Variant Classification Scheme 2023. Collection method: clinical testing. Allele origin: germline.

Labcorp Genetics (formerly Invitae), Labcorp
Classification: Uncertain significance for Developmental and epileptic encephalopathy, 9. Last evaluated: 2021-08-20. Review status: criteria provided, single submitter. Criteria: Invitae Variant Classification Sherloc (09022015). Collection method: clinical testing. Allele origin: germline.
Comment: This sequence change replaces asparagine with lysine at codon 881 of the PCDH19 protein (p.Asn881Lys). The asparagine residue is highly conserved and there is a moderate physicochemical difference between asparagine and lysine. This variant is not present in population databases (ExAC no frequency). This variant has not been reported in the literature in individuals affected with PCDH19-related conditions. Algorithms developed to predict the effect of missense changes on protein structure and function are either unavailable or do not agree on the potential impact of this missense change (SIFT: "Deleterious"; PolyPhen-2: "Benign"; Align-GVGD: "Class C0"). Algorithms developed to predict the effect of sequence changes on RNA splicing suggest that this variant may create or strengthen a splice site. In summary, the available evidence is currently insufficient to determine the role of this variant in disease. Therefore, it has been classified as a Variant of Uncertain Significance.

NM_001184880.2(PCDH19):c.2643C>G (p.Asn881Lys)

Gene: PCDH19 (protocadherin 19; minus strand). Cytogenetic location: Xq22.1.
Variant type: single nucleotide variant.
Coding change: c.2643C>G on transcript NM_001184880.2 (MANE Select); coding-DNA position 2643, C replaced by G.
Protein change: p.Asn881Lys; replaces asparagine 881 with lysine.
Molecular consequence: missense variant.
Genome position (GRCh38, 1-based): chrX:100,350,678, G>C on the plus strand (C>G on the coding strand, the complement: PCDH19 is on the minus strand). VCF-style: chrX-100350678-G-C. GRCh37 (hg19) VCF-style: chrX-99605676-G-C.
Other names: c.2502C>G, p.Asn834Lys (NM_001105243.2, NM_020766.3); short protein forms N881K, N834K.
Identifiers: ClinVar variation 968631 (VCV000968631.8), dbSNP rs1285138683, ClinGen allele CA414001089.